The following is an entry in ClinVar:

ClinVar aggregate classification (germline): Pathogenic (1 of 4 stars; one submission).

Conditions:
Progressive muscular dystrophy. Identifiers: Orphanet 206644, MedGen C4551827, MONDO:0016106.

Submission:

Myriad Genetics, Inc.
Classification: Pathogenic for Progressive muscular dystrophy. Last evaluated: 2023-08-15. Review status: criteria provided, single submitter. Criteria: Myriad Autosomal Dominant, Autosomal Recessive and X-Linked Classification Criteria (2023). Collection method: clinical testing. Allele origin: unknown.
Comment: NM_004006.2(DMD):c.5425G>T(E1809*) is expected to be pathogenic in the context of dystrophinopathy (including Duchenne/Becker muscular dystrophy). This variant is predicted to lead to an abnormal or absent protein product due to the creation of a premature termination codon in DMD, a gene where loss-of-function variants are known to be pathogenic. Please note: this variant was assessed in the context of healthy population screening.

NM_004006.3(DMD):c.5425G>T (p.Glu1809Ter)

Gene: DMD (dystrophin; minus strand). Cytogenetic location: Xp21.1.
Variant type: single nucleotide variant.
Coding change: c.5425G>T on transcript NM_004006.3 (MANE Select); coding-DNA position 5425, G replaced by T.
Protein change: p.Glu1809Ter; replaces glutamic acid 1809 with a stop codon.
Molecular consequence: nonsense.
Genome position (GRCh38, 1-based): chrX:32,348,429, C>A on the plus strand (G>T on the coding strand, the complement: DMD is on the minus strand). VCF-style: chrX-32348429-C-A. GRCh37 (hg19) VCF-style: chrX-32366546-C-A.
Other names: c.5401G>T, p.Glu1801Ter (NM_000109.4); c.5413G>T, p.Glu1805Ter (NM_004009.3); c.5056G>T, p.Glu1686Ter (NM_004010.3); c.1402G>T, p.Glu468Ter (NM_004011.4); c.1393G>T, p.Glu465Ter (NM_004012.4); short protein forms E1686*, E1801*, E1805*, E1809*, E465*, E468*.
Identifiers: ClinVar variation 5011354 (VCV005011354.1).
Genomic context (GRCh38, chrX:32,348,429, plus strand): 5'-TCCTAGTTCATTCACACTTTTATCACAACCAATTTACCATATCTTTATTGAAGTCTTCCT[C>A]TTTCAGATTCACCCCCTGCTGAATTTCAGCCTCCAGTGGTTCAAGCAATTTTTGTATATC-3'